The following is an entry in ClinVar:

ClinVar aggregate classification (germline): Uncertain significance. Review status: criteria provided, multiple submitters, no conflicts (2 of 4 stars). 2 submissions from 2 submitters: Uncertain significance (2). Last evaluated 2025-06-01.

Conditions:
Cardiovascular phenotype. Identifiers: MedGen CN230736.
Hypertrophic cardiomyopathy 2. Also called: TNNT2-Related Familial Hypertrophic Cardiomyopathy. Identifiers: MedGen C1861864, MONDO:0007266, OMIM 115195.
Dilated cardiomyopathy 1D. Identifiers: Orphanet 154, Orphanet 54260, MedGen C1832243, MONDO:0011095, OMIM 601494.
Cardiomyopathy, familial restrictive, 3. Identifiers: Orphanet 75249, MedGen C2676271, MONDO:0012900, OMIM 612422.

Submissions (2):

Ambry Genetics
Classification: Uncertain significance for Cardiovascular phenotype. Last evaluated: 2025-06-01. Review status: criteria provided, single submitter. Criteria: Ambry Variant Classification Scheme 2023. Collection method: clinical testing. Allele origin: germline.
Comment: The p.K176M variant (also known as c.527A>T), located in coding exon 10 of the TNNT2 gene, results from an A to T substitution at nucleotide position 527. The lysine at codon 176 is replaced by methionine, an amino acid with similar properties. This amino acid position is conserved. In addition, the in silico prediction for this alteration is inconclusive. Based on the available evidence, the clinical significance of this variant remains unclear.

Labcorp Genetics (formerly Invitae), Labcorp
Classification: Uncertain significance for Cardiomyopathy, familial restrictive, 3; Hypertrophic cardiomyopathy 2; Dilated cardiomyopathy 1D. Last evaluated: 2022-08-22. Review status: criteria provided, single submitter. Criteria: Invitae Variant Classification Sherloc (09022015). Collection method: clinical testing. Allele origin: germline.
Comment: Algorithms developed to predict the effect of missense changes on protein structure and function are either unavailable or do not agree on the potential impact of this missense change (SIFT: "Deleterious"; PolyPhen-2: "Probably Damaging"; Align-GVGD: "Class C0"). This sequence change replaces lysine, which is basic and polar, with methionine, which is neutral and non-polar, at codon 176 of the TNNT2 protein (p.Lys176Met). This variant is not present in population databases (gnomAD no frequency). This missense change has been observed in individual(s) with clinical features of TNNT2-related conditions (Invitae). ClinVar contains an entry for this variant (Variation ID: 643391). In summary, the available evidence is currently insufficient to determine the role of this variant in disease. Therefore, it has been classified as a Variant of Uncertain Significance.

NM_001276345.2(TNNT2):c.557A>T (p.Lys186Met)

Gene: TNNT2 (troponin T2, cardiac type; minus strand). Cytogenetic location: 1q32.1.
Variant type: single nucleotide variant.
Coding change: c.557A>T on transcript NM_001276345.2 (MANE Select); coding-DNA position 557, A replaced by T.
Protein change: p.Lys186Met; replaces lysine 186 with methionine.
Molecular consequence: missense variant.
Genome position (GRCh38, 1-based): chr1:201,363,339, T>A on the plus strand (A>T on the coding strand, the complement: TNNT2 is on the minus strand). VCF-style: chr1-201363339-T-A. GRCh37 (hg19) VCF-style: chr1-201332467-T-A.
Other names: c.527A>T (NM_001001430.1); c.557A>T, p.Lys186Met (NM_000364.4); c.527A>T, p.Lys176Met (NM_001001430.3, NM_001001431.3, NM_001276347.2); c.512A>T, p.Lys171Met (NM_001001432.3); c.437A>T, p.Lys146Met (NM_001276346.2); short protein forms K171M, K176M, K186M, K146M.
Identifiers: ClinVar variation 643391 (VCV000643391.11), dbSNP rs1486862820, ClinGen allele CA344204387.
Genomic context (GRCh38, chr1:201,363,339, plus strand): 5'-TGCTGCTCCCTACCTACCTTCTGGATGTAACCCCCAAAATGCATCATGTTGGACAAAGCC[T>A]TCTTCTTCCGGGCCTCATCCTCAGCCTTCCTCCTGTTCTCCTCCTCCTCTCGTCGAGCCC-3'
Protein context (NP_001263274.1, residues 176-196): RKAEDEARKK[Lys186Met]ALSNMMHFGG